The following is an entry in ClinVar:

ClinVar aggregate classification (germline): Conflicting classifications of pathogenicity. Review status: criteria provided, conflicting classifications (1 of 4 stars). 7 submissions from 7 submitters: Uncertain significance (2); Likely benign (5). Last evaluated 2026-02-03.

Conditions:
VCL-related disorder. Also called: VCL-related condition.
Cardiovascular phenotype. Identifiers: MedGen CN230736.
Dilated cardiomyopathy 1W (CMD1W). Identifiers: Orphanet 154, MedGen C1969639, MONDO:0012667, OMIM 611407.
Primary dilated cardiomyopathy (DCM). Also called: Dilated Cardiomyopathy. Identifiers: Orphanet 217604, MedGen C0007193, MeSH D002311, MONDO:0005021, HP:0001644. Inheritance: Various modes of inheritance.

Allele frequency attached by ClinVar (database versions not stated): gnomAD below 0.00001 and 0.00010; TOPMed 0.00002; gnomAD exomes 0.00019 and 0.00036; ExAC 0.00047; 1000 Genomes Project 30x 0.00109; 1000 Genomes Project 0.00140.
gnomAD v4.1: 285 of 1,613,824 alleles (0.018%); highest among the groups gnomAD compares: South Asian, 0.3%; 3 homozygotes.

Submissions (7):

Labcorp Genetics (formerly Invitae), Labcorp
Classification: Likely benign for Dilated cardiomyopathy 1W. Last evaluated: 2026-02-03. Review status: criteria provided, single submitter. Criteria: Invitae Variant Classification Sherloc (09022015). Collection method: clinical testing. Allele origin: germline.

PreventionGenetics, part of Exact Sciences
Classification: Likely benign for VCL-related condition. Last evaluated: 2025-06-09. Review status: criteria provided, single submitter. Criteria: ACMG Guidelines, 2015. Collection method: clinical testing. Allele origin: germline.
Comment: This variant is classified as likely benign based on ACMG/AMP sequence variant interpretation guidelines (Richards et al. 2015 PMID: 25741868, with internal and published modifications).

Blueprint Genetics
Classification: Likely benign. Last evaluated: 2023-07-31. Review status: criteria provided, single submitter. Criteria: ACMG Guidelines, 2015. Collection method: clinical testing. Allele origin: germline.

Ambry Genetics
Classification: Likely benign for Cardiovascular phenotype. Last evaluated: 2020-07-20. Review status: criteria provided, single submitter. Criteria: Ambry Variant Classification Scheme 2023. Collection method: clinical testing. Allele origin: germline.

GeneDx
Classification: Likely benign. Last evaluated: 2018-07-05. Review status: criteria provided, single submitter. Criteria: GeneDx Variant Classification Process June 2021. Collection method: clinical testing. Allele origin: germline. Affected: yes.
Comment: This variant is associated with the following publications: (PMID: 26191084)

Laboratory for Molecular Medicine, Mass General Brigham Personalized Medicine
Classification: Uncertain significance. Last evaluated: 2014-03-19. Review status: criteria provided, single submitter. Criteria: LMM Criteria. Collection method: clinical testing. Allele origin: germline. Observed: 1 variant allele.
Comment: The Val658Ala variant in VCL has not been previously reported in individuals wit h cardiomyopathy or in large population studies. Computational prediction tools and conservation analysis do not provide strong support for or against an impact to the protein. Additional information is needed to fully assess the clinical s ignificance of the variant.

Genetics and Genomics Program, Sidra Medicine
Classification: Uncertain significance for Primary dilated cardiomyopathy. Review status: criteria provided, single submitter. Criteria: ACMG Guidelines, 2015. Collection method: research. Allele origin: unknown. Affected: yes. Observed: 1 variant allele.

Literature cited by the submitters: PubMed 23396983 (cited by Ambry Genetics); PubMed 25163546 (cited by Ambry Genetics); PubMed 26191084 (cited by Ambry Genetics).

NM_014000.3(VCL):c.1973T>C (p.Val658Ala)

Gene: VCL (vinculin; plus strand). Cytogenetic location: 10q22.2.
Variant type: single nucleotide variant.
Coding change: c.1973T>C on transcript NM_014000.3 (MANE Select); coding-DNA position 1973, T replaced by C.
Protein change: p.Val658Ala; replaces valine 658 with alanine.
Molecular consequence: missense variant.
Genome position (GRCh38, 1-based): chr10:74,101,048, T>C. VCF-style: chr10-74101048-T-C. GRCh37 (hg19) VCF-style: chr10-75860806-T-C.
Other names: c.1973T>C, p.Val658Ala (NM_003373.4); short protein forms V658A.
Identifiers: ClinVar variation 179606 (VCV000179606.22), dbSNP rs372691803, ClinGen allele CA184767.